The following is an entry in ClinVar:

ClinVar aggregate classification (germline): Uncertain significance (1 of 4 stars; one submission).

Allele frequency attached by ClinVar (database versions not stated): gnomAD exomes below 0.00001; TOPMed below 0.00001; gnomAD 0.00001.

Submission:

Ambry Genetics
Classification: Uncertain significance. Last evaluated: 2025-09-07. Review status: criteria provided, single submitter. Criteria: Ambry Variant Classification Scheme 2023. Collection method: clinical testing. Allele origin: germline.
Comment: The p.F480Y variant (also known as c.1439T>A), located in coding exon 14 of the KIF1B gene, results from a T to A substitution at nucleotide position 1439. The phenylalanine at codon 480 is replaced by tyrosine, an amino acid with highly similar properties. This amino acid position is conserved. In addition, the in silico prediction for this alteration is inconclusive. Since supporting evidence is limited at this time, the clinical significance of this alteration remains unclear.

NM_001365951.3(KIF1B):c.1577T>A (p.Phe526Tyr)

Gene: KIF1B (kinesin family member 1B; plus strand). Cytogenetic location: 1p36.22.
Variant type: single nucleotide variant.
Coding change: c.1577T>A on transcript NM_001365951.3 (MANE Select); coding-DNA position 1577, T replaced by A.
Protein change: p.Phe526Tyr; replaces phenylalanine 526 with tyrosine.
Molecular consequence: missense variant.
Genome position (GRCh38, 1-based): chr1:10,292,109, T>A. VCF-style: chr1-10292109-T-A. GRCh37 (hg19) VCF-style: chr1-10352167-T-A.
Other names: c.1577T>A, p.Phe526Tyr (NM_001365952.1); c.1439T>A, p.Phe480Tyr (NM_001365953.1, NM_015074.3, NM_183416.4); short protein forms F526Y, F480Y.
Identifiers: ClinVar variation 2625140 (VCV002625140.3), dbSNP rs1303809139, ClinGen allele CA338313531.